The following is an entry in ClinVar:

ClinVar aggregate classification (germline): Likely pathogenic (1 of 4 stars; one submission).

Conditions:
Muscular dystrophy-dystroglycanopathy (congenital with impaired intellectual development), type B, 2. Also called: Muscular dystrophy-dystroglycanopathy (congenital with intellectual disability), type B2; MUSCULAR DYSTROPHY, CONGENITAL, POMT2-RELATED. Identifiers: MedGen C3150416, MONDO:0013160, OMIM 613156.
Autosomal recessive limb-girdle muscular dystrophy type 2N. Also called: MUSCULAR DYSTROPHY-DYSTROGLYCANOPATHY, LIMB-GIRDLE, POMT2-RELATED; Muscular dystrophy-dystroglycanopathy (limb-girdle), type C, 2. Identifiers: Orphanet 206559, MedGen C3150418, MONDO:0013162, OMIM 613158.
Muscular dystrophy-dystroglycanopathy (congenital with brain and eye anomalies), type A2. Also called: MUSCULAR DYSTROPHY-DYSTROGLYCANOPATHY (CONGENITAL WITH BRAIN AND EYE ANOMALIES), TYPE A, 2; WALKER-WARBURG SYNDROME OR MUSCLE-EYE-BRAIN DISEASE, POMT2-RELATED. Identifiers: Orphanet 588, Orphanet 899, MedGen C3150411, MONDO:0013154, OMIM 613150.

Submission:

Labcorp Genetics (formerly Invitae), Labcorp
Classification: Likely pathogenic for Muscular dystrophy-dystroglycanopathy (congenital with impaired intellectual development), type B, 2; Muscular dystrophy-dystroglycanopathy (congenital with brain and eye anomalies), type A2; Autosomal recessive limb-girdle muscular dystrophy type 2N. Last evaluated: 2021-06-02. Review status: criteria provided, single submitter. Criteria: Invitae Variant Classification Sherloc (09022015). Collection method: clinical testing. Allele origin: germline.
Comment: This variant has not been reported in the literature in individuals with POMT2-related conditions. This sequence change affects a donor splice site in intron 19 of the POMT2 gene. It is expected to disrupt RNA splicing. Variants that disrupt the donor or acceptor splice site typically lead to a loss of protein function (PMID: 16199547), and loss-of-function variants in POMT2 are known to be pathogenic (PMID: 15894594). This variant is not present in population databases (ExAC no frequency). Algorithms developed to predict the effect of sequence changes on RNA splicing suggest that this variant may disrupt the consensus splice site, but this prediction has not been confirmed by published transcriptional studies. In summary, the currently available evidence indicates that the variant is pathogenic, but additional data are needed to prove that conclusively. Therefore, this variant has been classified as Likely Pathogenic.

Literature cited by the submitters: PubMed 16199547; PubMed 15894594.

NM_013382.7(POMT2):c.2032+1G>A

Gene: POMT2 (protein O-mannosyltransferase 2; minus strand). Cytogenetic location: 14q24.3.
Variant type: single nucleotide variant.
Coding change: c.2032+1G>A on transcript NM_013382.7 (MANE Select); the canonical splice donor site of the intron after coding-DNA position 2032, G replaced by A.
Molecular consequence: splice donor variant.
Genome position (GRCh38, 1-based): chr14:77,278,728, C>T on the plus strand (G>A on the coding strand, the complement: POMT2 is on the minus strand). VCF-style: chr14-77278728-C-T. GRCh37 (hg19) VCF-style: chr14-77745071-C-T.
Identifiers: ClinVar variation 1495773 (VCV001495773.8), dbSNP rs2140161850, ClinGen allele CA390513703.